The following is an entry in ClinVar:

NM_003072.5(SMARCA4):c.2519C>T (p.Ala840Val)

Gene: SMARCA4 (SWI/SNF related BAF chromatin remodeling complex subunit ATPase 4; plus strand). Cytogenetic location: 19p13.2.
Variant type: single nucleotide variant.
Coding change: c.2519C>T on transcript NM_003072.5 (MANE Select); coding-DNA position 2519, C replaced by T.
Protein change: p.Ala840Val; replaces alanine 840 with valine.
Molecular consequence: missense variant. On other transcripts: non-coding transcript variant (1).
Genome position (GRCh38, 1-based): chr19:11,019,604, C>T. VCF-style: chr19-11019604-C-T. GRCh37 (hg19) VCF-style: chr19-11130280-C-T.
Other names: c.2519C>T, p.Ala840Val (NM_001387283.1, NM_001411150.1, NM_001128844.3 and 6 more transcripts); short protein forms A840V.
Identifiers: ClinVar variation 3958480 (VCV003958480.1).

ClinVar aggregate classification (germline): Uncertain significance (1 of 4 stars; one submission).

Conditions:
Hereditary cancer-predisposing syndrome. Also called: Tumor predisposition; Hereditary neoplastic syndrome; Hereditary Cancer Syndrome; Neoplastic Syndromes, Hereditary. Identifiers: Orphanet 140162, MedGen C0027672, MeSH D009386, MONDO:0015356.

Submission:

Ambry Genetics
Classification: Uncertain significance for Hereditary cancer-predisposing syndrome. Last evaluated: 2025-06-03. Review status: criteria provided, single submitter. Criteria: Ambry Variant Classification Scheme 2023. Collection method: clinical testing. Allele origin: germline.
Comment: The p.A840V variant (also known as c.2519C>T), located in coding exon 17 of the SMARCA4 gene, results from a C to T substitution at nucleotide position 2519. The alanine at codon 840 is replaced by valine, an amino acid with similar properties. This amino acid position is well conserved in available vertebrate species. In addition, the in silico prediction for this alteration is inconclusive. Based on the available evidence, the clinical significance of this variant remains unclear.